The following is an entry in ClinVar:

ClinVar aggregate classification (germline): Pathogenic (1 of 4 stars; one submission).

Conditions:
Rare genetic deafness. Identifiers: Orphanet 96210, MedGen C5680250.

Submission:

Laboratory for Molecular Medicine, Mass General Brigham Personalized Medicine
Classification: Pathogenic for Rare genetic deafness. Last evaluated: 2016-01-12. Review status: criteria provided, single submitter. Criteria: LMM Criteria. Collection method: clinical testing. Allele origin: germline. Inheritance: Autosomal dominant inheritance. Observed: 1 variant allele.
Comment: The p.Glu364X variant in EYA1 has not been previously reported in individuals wi th hearing loss or Branchio-oto-renal (BOR) syndrome or in large population stud ies. This nonsense variant leads to a premature termination codon at position 36 4, which is predicted to lead to a truncated or absent protein. Heterozygous los s of function of the EYA1 gene is an established disease mechanism in BOR syndro me. In summary, this variant meets our criteria to be classified as pathogenic f or BOR syndrome in an autosomal dominant manner based on the predicted impact of the variant.

NM_000503.6(EYA1):c.1090G>T (p.Glu364Ter)

Gene: EYA1 (EYA transcriptional coactivator and phosphatase 1; minus strand). Cytogenetic location: 8q13.3.
Variant type: single nucleotide variant.
Coding change: c.1090G>T on transcript NM_000503.6 (MANE Select); coding-DNA position 1090, G replaced by T.
Protein change: p.Glu364Ter; replaces glutamic acid 364 with a stop codon.
Molecular consequence: nonsense. On other transcripts: intron variant (2).
Genome position (GRCh38, 1-based): chr8:71,244,653, C>A on the plus strand (G>T on the coding strand, the complement: EYA1 is on the minus strand). VCF-style: chr8-71244653-C-A. GRCh37 (hg19) VCF-style: chr8-72156888-C-A.
Other names: c.1072G>T, p.Glu358Ter (NM_001288574.2); c.724G>T, p.Glu242Ter (NM_001288575.2); c.1177G>T, p.Glu393Ter (NM_001370333.1); c.1090G>T, p.Glu364Ter (NM_001370334.1, NM_001370335.1, NM_172058.4); c.1119+25087G>T (NM_001370336.1); c.1122+25087G>T (NM_172059.5); short protein forms E364*, E393*, E242*, E358*.
Identifiers: ClinVar variation 228345 (VCV000228345.4), dbSNP rs876657689, ClinGen allele CA10576735.
Genomic context (GRCh38, chr8:71,244,653, plus strand): 5'-TAGAACTTACTTCTAAGTCATTAAAAAATAAATGTGTGTCTGCCAAGTTGAAAATCATTT[C>A]TTCCATTCGCAGTCCAAGGGAAACTGAAGTGGGTGGATCCTAAAATAAGAATATGACAGG-3'